The following is an entry in ClinVar:

NM_000137.4(FAH):c.963C>A (p.Tyr321Ter)

Gene: FAH (fumarylacetoacetate hydrolase; plus strand). Cytogenetic location: 15q25.1.
Variant type: single nucleotide variant.
Coding change: c.963C>A on transcript NM_000137.4 (MANE Select); coding-DNA position 963, C replaced by A.
Protein change: p.Tyr321Ter; replaces tyrosine 321 with a stop codon.
Molecular consequence: nonsense.
Genome position (GRCh38, 1-based): chr15:80,180,126, C>A. VCF-style: chr15-80180126-C-A. GRCh37 (hg19) VCF-style: chr15-80472468-C-A.
Other names: c.963C>A, p.Tyr321Ter (NM_001374377.1, NM_001374380.1); short protein forms Y321*.
Identifiers: ClinVar variation 291075 (VCV000291075.14), dbSNP rs886044640, ClinGen allele CA10607006.

ClinVar aggregate classification (germline): Pathogenic. Review status: criteria provided, multiple submitters, no conflicts (2 of 4 stars). 3 submissions from 3 submitters: Pathogenic (2). 1 of the submissions does not count toward it. Last evaluated 2024-01-29.

Conditions:
Tyrosinemia type I (TYRSN1). Also called: Tyrosinemia type 1; FAH DEFICIENCY; Fumarylacetoacetase deficiency; Deficiency of fumarylacetoacetase; HEPATORENAL TYROSINEMIA. Identifiers: Orphanet 882, MedGen C0268490, MONDO:0010161, OMIM 276700. Disease mechanism: loss of function.

Allele frequency attached by ClinVar (database versions not stated): TOPMed below 0.00001; gnomAD 0.00001.

Submissions (3):

Labcorp Genetics (formerly Invitae), Labcorp
Classification: Pathogenic for Tyrosinemia type I. Last evaluated: 2024-01-29. Review status: criteria provided, single submitter. Criteria: Invitae Variant Classification Sherloc (09022015). Collection method: clinical testing. Allele origin: germline.
Comment: This sequence change creates a premature translational stop signal (p.Tyr321*) in the FAH gene. It is expected to result in an absent or disrupted protein product. Loss-of-function variants in FAH are known to be pathogenic (PMID: 9101289, 9633815). This variant is not present in population databases (gnomAD no frequency). This variant has not been reported in the literature in individuals affected with FAH-related conditions. ClinVar contains an entry for this variant (Variation ID: 291075). For these reasons, this variant has been classified as Pathogenic.

Eurofins Ntd Llc (ga)
Classification: Pathogenic. Last evaluated: 2016-08-30. Review status: criteria provided, single submitter. Criteria: EGL Classification Definitions 2015. Collection method: clinical testing. Allele origin: germline. Observed: 1 variant allele, 1 heterozygote.

Counsyl
Classification: Likely pathogenic for Tyrosinemia type I. Last evaluated: 2014-11-17. Review status: no assertion criteria provided. Collection method: clinical testing. Allele origin: unknown. Not counted in ClinVar's aggregate classification.

Literature cited by the submitters: PubMed 9101289 (cited by Labcorp Genetics (formerly Invitae), Labcorp); PubMed 9633815 (cited by Labcorp Genetics (formerly Invitae), Labcorp).